The following is an entry in ClinVar:

ClinVar aggregate classification (germline): Pathogenic/Likely pathogenic. Review status: criteria provided, multiple submitters, no conflicts (2 of 4 stars). 4 submissions from 4 submitters: Pathogenic (1); Likely pathogenic (2). 1 of the submissions does not count toward it. Last evaluated 2025-12-01.

Conditions:
Charcot-Marie-Tooth disease. Also called: Charcot-Marie-Tooth Hereditary Neuropathy; Charcot-Marie-Tooth Neuropathy. Identifiers: Orphanet 166, MedGen C0007959, MONDO:0015626.
Charcot-Marie-Tooth disease, type I (CMT1). Also called: Charcot-Marie-Tooth disease type 1; Charcot-Marie-Tooth, Type 1. Identifiers: Orphanet 65753, MedGen C0751036, MONDO:0019011.

Submissions (4):

CeGaT Center for Human Genetics Tuebingen
Classification: Likely pathogenic. Last evaluated: 2025-12-01. Review status: criteria provided, single submitter. Criteria: CeGaT Center For Human Genetics Tuebingen Variant Classification Criteria Version 2. Collection method: clinical testing. Allele origin: germline. Affected: yes. Observed: 2 variant alleles.
Comment: MPZ: PM1, PM2, PM5, PS4:Moderate, PP1

Labcorp Genetics (formerly Invitae), Labcorp
Classification: Pathogenic for Charcot-Marie-Tooth disease, type I. Last evaluated: 2024-10-22. Review status: criteria provided, single submitter. Criteria: Invitae Variant Classification Sherloc (09022015). Collection method: clinical testing. Allele origin: germline.
Comment: This sequence change replaces aspartic acid, which is acidic and polar, with glycine, which is neutral and non-polar, at codon 61 of the MPZ protein (p.Asp61Gly). This variant is not present in population databases (gnomAD no frequency). This missense change has been observed in individuals with clinical features of Charcot-Marie-Tooth disease (PMID: 10764043; internal data). It has also been observed to segregate with disease in related individuals. ClinVar contains an entry for this variant (Variation ID: 188168). Invitae Evidence Modeling of protein sequence and biophysical properties (such as structural, functional, and spatial information, amino acid conservation, physicochemical variation, residue mobility, and thermodynamic stability) indicates that this missense variant is not expected to disrupt MPZ protein function with a negative predictive value of 80%. This variant disrupts the p.Asp61 amino acid residue in MPZ. Other variant(s) that disrupt this residue have been determined to be pathogenic (PMID: 11484669, 22451207, 23290023). This suggests that this residue is clinically significant, and that variants that disrupt this residue are likely to be disease-causing. For these reasons, this variant has been classified as Pathogenic.

GeneDx
Classification: Likely pathogenic. Last evaluated: 2024-08-20. Review status: criteria provided, single submitter. Criteria: GeneDx Variant Classification Process June 2021. Collection method: clinical testing. Allele origin: germline. Affected: yes.
Comment: Missense variants in this gene are a common cause of disease and they are underrepresented in the general population; In silico analysis indicates that this missense variant does not alter protein structure/function; Not observed at significant frequency in large population cohorts (gnomAD); This variant is associated with the following publications: (PMID: 23290023, 26406915, 37581289, 37699394, 10764043, 26310628, 20461396)

Inherited Neuropathy Consortium
Classification: Uncertain significance for Charcot-Marie-Tooth disease. Review status: no assertion criteria provided. Collection method: literature only. Allele origin: germline. Affected: yes. Not counted in ClinVar's aggregate classification.

Literature cited by the submitters: PubMed 10764043 (cited by Labcorp Genetics (formerly Invitae), Labcorp and Inherited Neuropathy Consortium); PubMed 11484669 (cited by Labcorp Genetics (formerly Invitae), Labcorp); PubMed 22451207 (cited by Labcorp Genetics (formerly Invitae), Labcorp); PubMed 23290023 (cited by Labcorp Genetics (formerly Invitae), Labcorp).

NM_000530.8(MPZ):c.182A>G (p.Asp61Gly)

Gene: MPZ (myelin protein zero; minus strand). Cytogenetic location: 1q23.3.
Variant type: single nucleotide variant.
Coding change: c.182A>G on transcript NM_000530.8 (MANE Select); coding-DNA position 182, A replaced by G.
Protein change: p.Asp61Gly; replaces aspartic acid 61 with glycine.
Molecular consequence: missense variant.
Genome position (GRCh38, 1-based): chr1:161,307,310, T>C on the plus strand (A>G on the coding strand, the complement: MPZ is on the minus strand). VCF-style: chr1-161307310-T-C. GRCh37 (hg19) VCF-style: chr1-161277100-T-C.
Other names: c.182A>G (LRG_256t1); c.182A>G, p.Asp61Gly (NM_001315491.2); short protein forms D61G.
Identifiers: ClinVar variation 188168 (VCV000188168.53), dbSNP rs786204119, ClinGen allele CA334216.